The following is an entry in ClinVar:

ClinVar aggregate classification (germline): Pathogenic (1 of 4 stars; one submission).

Conditions:
Early-infantile DEE. Also called: Ohtahara syndrome; Early infantile epileptic encephalopathy with suppression bursts; Early infantile epileptic encephalopathy. Identifiers: Orphanet 1934, MedGen C0393706, MONDO:0800491.

Submission:

Labcorp Genetics (formerly Invitae), Labcorp
Classification: Pathogenic for Early-infantile DEE. Last evaluated: 2022-01-13. Review status: criteria provided, single submitter. Criteria: Invitae Variant Classification Sherloc (09022015). Collection method: clinical testing. Allele origin: germline.
Comment: For these reasons, this variant has been classified as Pathogenic. ClinVar contains an entry for this variant (Variation ID: 1076724). This variant has not been reported in the literature in individuals affected with SCN1A-related conditions. This variant is not present in population databases (gnomAD no frequency). This sequence change creates a premature translational stop signal (p.Met1333*) in the SCN1A gene. It is expected to result in an absent or disrupted protein product. Loss-of-function variants in SCN1A are known to be pathogenic (PMID: 17347258, 18930999).

Literature cited by the submitters: PubMed 17347258; PubMed 18930999.

NM_001165963.4(SCN1A):c.3996del (p.Gly1332_Met1333insTer)

Genes: SCN1A (sodium voltage-gated channel alpha subunit 1; minus strand), LOC102724058 (uncharacterized LOC102724058; plus strand). Cytogenetic location: 2q24.3.
Variant type: Deletion.
Coding change: c.3996del on transcript NM_001165963.4 (MANE Select); coding-DNA position 3996, one base deleted (G; older notation c.3996delG).
Protein change: p.Gly1332_Met1333insTer.
Molecular consequence: frameshift variant. On other transcripts: non-coding transcript variant (1).
Genome position (GRCh38, 1-based): chr2:166,009,725, C deleted on the plus strand (G on the coding strand, the reverse complement: SCN1A is on the minus strand); the first of 3 consecutive C bases (chr2:166,009,725-166,009,727); deleting any one gives the same sequence. VCF-style (leftmost placement, unchanged base first): chr2-166009724-TC-T. GRCh37 (hg19) VCF-style: chr2-166866234-TC-T.
Other names: c.3912del, p.Gly1304_Met1305insTer (NM_001165964.3, NM_001353957.2, NM_001353958.2); c.3996del, p.Gly1332_Met1333insTer (NM_001202435.3, NM_001353948.2); c.3963del, p.Gly1321_Met1322insTer (NM_001353949.2, NM_001353950.2, NM_001353951.2 and 2 more transcripts); c.3960del, p.Gly1320_Met1321insTer (NM_001353954.2, NM_001353955.2); c.3909del, p.Gly1303_Met1304insTer (NM_001353960.2); c.1554del, p.Gly518_Met519insTer (NM_001353961.2).
Identifiers: ClinVar variation 1076724 (VCV001076724.10), dbSNP rs2105569513, ClinGen allele CA2499215193.